The following is an entry in ClinVar:

ClinVar aggregate classification (germline): Benign. Review status: criteria provided, multiple submitters, no conflicts (2 of 4 stars). 3 submissions from 3 submitters: Benign (3). Last evaluated 2021-06-19.

Conditions:
Thrombocytopenia. Identifiers: MedGen C0040034, MeSH D013921, MONDO:0002049, HP:0001873.

Allele frequency attached by ClinVar (database versions not stated): 1000 Genomes Project 0.50958; gnomAD 0.61051 and 0.60396; gnomAD exomes 0.60759; 1000 Genomes Project 30x 0.51624; TOPMed 0.59573.
gnomAD v4.1: 321,288 of 529,752 alleles (61%); highest among the groups gnomAD compares: Non-Finnish European, 65%; 98,968 homozygotes.

Submissions (3):

GeneDx
Classification: Benign. Last evaluated: 2021-06-19. Review status: criteria provided, single submitter. Criteria: GeneDx Variant Classification Process June 2021. Collection method: clinical testing. Allele origin: germline. Affected: yes.

Illumina Laboratory Services, Illumina
Classification: Benign for Thrombocytopenia. Last evaluated: 2018-01-13. Review status: criteria provided, single submitter. Criteria: ICSL Variant Classification Criteria 13 December 2019. Collection method: clinical testing. Allele origin: germline.
Comment: This variant was observed in the ICSL laboratory as part of a predisposition screen in an ostensibly healthy population. It had not been previously curated by ICSL or reported in the Human Gene Mutation Database (HGMD: prior to June 1st, 2018), and was therefore a candidate for classification through an automated scoring system. Utilizing variant allele frequency, disease prevalence and penetrance estimates, and inheritance mode, an automated score was calculated to assess if this variant is too frequent to cause the disease. Based on the score and internal cut-off values, a variant classified as benign is not then subjected to further curation. The score for this variant resulted in a classification of benign for this disease.

Breakthrough Genomics
Classification: Benign. Review status: criteria provided, single submitter. Criteria: ACMG Guidelines, 2015. Collection method: not provided. Allele origin: germline. Inheritance: Unknown mechanism. Affected: yes.

NM_001172303.3(MASTL):c.*228T>C

Genes: ACBD5 (acyl-CoA binding domain containing 5; minus strand), MASTL (microtubule associated serine/threonine kinase like; plus strand). Cytogenetic location: 10p12.1.
Variant type: single nucleotide variant.
Coding change: c.*228T>C on transcript NM_001172303.3 (MANE Select); 228 bases downstream of the stop codon, T replaced by C.
Molecular consequence: 3 prime UTR variant. On other transcripts: non-coding transcript variant (1), intron variant (1).
Genome position (GRCh38, 1-based): chr10:27,186,764, T>C. VCF-style: chr10-27186764-T-C. GRCh37 (hg19) VCF-style: chr10-27475693-T-C.
Other names: c.*228T>C (NM_001172304.3, NM_001320756.2, NM_001320757.2 and 3 more transcripts); c.1566-2449A>G (NM_001352570.1).
Identifiers: ClinVar variation 299806 (VCV000299806.10), dbSNP rs1338, ClinGen allele CA10628482.